The following is an entry in ClinVar:

ClinVar aggregate classification (germline): Likely pathogenic (1 of 4 stars; one submission).

Submission:

Labcorp Genetics (formerly Invitae), Labcorp
Classification: Likely pathogenic. Last evaluated: 2022-01-06. Review status: criteria provided, single submitter. Criteria: Invitae Variant Classification Sherloc (09022015). Collection method: clinical testing. Allele origin: germline.
Comment: This variant results in the deletion of part of exon 5 (c.436_444+14del) of the RCBTB1 gene. It is expected to disrupt RNA splicing. Variants that disrupt the donor or acceptor splice site typically lead to a loss of protein function (PMID: 16199547), and loss-of-function variants in RCBTB1 are known to be pathogenic (PMID: 31494449). In summary, the currently available evidence indicates that the variant is pathogenic, but additional data are needed to prove that conclusively. Therefore, this variant has been classified as Likely Pathogenic. Algorithms developed to predict the effect of sequence changes on RNA splicing suggest that this variant may disrupt the consensus splice site. ClinVar contains an entry for this variant (Variation ID: 1067031). This variant has not been reported in the literature in individuals affected with RCBTB1-related conditions. This variant is not present in population databases (gnomAD no frequency).

Literature cited by the submitters: PubMed 16199547; PubMed 31494449.

NM_018191.4(RCBTB1):c.436_444+14del

Gene: RCBTB1 (RCC1 and BTB domain containing protein 1; minus strand). Cytogenetic location: 13q14.2.
Variant type: Deletion.
Coding change: c.436_444+14del on transcript NM_018191.4 (MANE Select); coding-DNA position 436 through 14 bases into the intron after coding-DNA position 444, 23 bases deleted (GATGGAGAGGTAAGTATGCTGCT).
Molecular consequence: splice donor variant.
Genome position (GRCh38, 1-based): chr13:49,559,904-49,559,926, AGCAGCATACTTACCTCTCCATC deleted on the plus strand (GATGGAGAGGTAAGTATGCTGCT on the coding strand, the reverse complement: RCBTB1 is on the minus strand); deleting any 23 consecutive bases within chr13:49,559,904-49,559,929 gives the same sequence; the c. name uses the placement nearest the transcript's 3' end. VCF-style (leftmost placement, unchanged base first): chr13-49559903-AAGCAGCATACTTACCTCTCCATC-A. GRCh37 (hg19) VCF-style: chr13-50134039-AAGCAGCATACTTACCTCTCCATC-A.
Other names: c.436_444+14del (NM_001352501.2, NM_001352502.2, NM_001352503.2 and 3 more transcripts); c.-174_-166+14del (NM_001352506.2).
Identifiers: ClinVar variation 1067031 (VCV001067031.7), dbSNP rs2139231251, ClinGen allele CA2499222472.
Genomic context (GRCh38, chr13:49,559,903, plus strand): 5'-CTGGTAAATTTTATGTTAAGTGTATTTACTATGATGAAAAAAAAAAAGAATAAAGAATAA[AAGCAGCATACTTACCTCTCCATC>A]AGCTGCCAGAGCCATTGAATGATGTGAGCCACAAGCTACTTCCACCACTTGCTTGATCAA-3'